The following is an entry in ClinVar:

NM_001220.5(CAMK2B):c.1406C>T (p.Pro469Leu)

Gene: CAMK2B (calcium/calmodulin dependent protein kinase II beta; minus strand). Cytogenetic location: 7p13.
Variant type: single nucleotide variant.
Coding change: c.1406C>T on transcript NM_001220.5 (MANE Select); coding-DNA position 1406, C replaced by T.
Protein change: p.Pro469Leu; replaces proline 469 with leucine.
Molecular consequence: missense variant. On other transcripts: intron variant (8).
Genome position (GRCh38, 1-based): chr7:44,228,858, G>A on the plus strand (C>T on the coding strand, the complement: CAMK2B is on the minus strand). VCF-style: chr7-44228858-G-A. GRCh37 (hg19) VCF-style: chr7-44268457-G-A.
Other names: c.947-7957C>T (NM_172084.3); c.1150+2148C>T (NM_172080.3); c.1036+2148C>T (NM_172083.3); c.1108+2148C>T (NM_172081.3); c.1153+2148C>T (NM_172079.3, NM_172082.3); c.1225+2148C>T (NM_001293170.2, NM_172078.3); short protein forms P469L.
Identifiers: ClinVar variation 4881377 (VCV004881377.2).
Genomic context (GRCh38, chr7:44,228,858, plus strand): 5'-GGGGAGGACAGGGGGCCTAGGAGAGCCGGAGACAGGCAGGGCGGGGGCCCCGCTGAGAGG[G>A]GGCCCTCGGCTTCTGGGGTTCCTGAACCCCTTCTCACAGAGTTCAGGATGTCAGAGATCC-3'
Protein context (NP_001211.3, residues 459-479): RGSGTPEAEG[Pro469Leu]LSAGPPPCLS

ClinVar aggregate classification (germline): Uncertain significance (1 of 4 stars; one submission).

gnomAD v4.1: 2 of 1,529,852 alleles (0.00013%); highest among the groups gnomAD compares: Non-Finnish European, 0.00018%; no homozygotes.

Submission:

Dasa
Classification: Uncertain significance. Last evaluated: 2025-02-07. Review status: criteria provided, single submitter. Criteria: DASA Assertion Criteria. Collection method: clinical testing. Allele origin: germline.
Comment: NM_001220.5(CAMK2B):c.1406C>T (p.Pro469Leu) is a missense variant that results in the substitution of proline with leucine. This variant is rare in population databases. Computational prediction algorithms are consistent with a benign effect. The currently available literature and clinical evidence are not sufficient to establish a definitive association between this variant and the reported condition. Therefore, this variant is classified as a variant of uncertain significance.